The following is an entry in ClinVar:

ClinVar aggregate classification (germline): Uncertain significance. Review status: criteria provided, multiple submitters, no conflicts (2 of 4 stars). 2 submissions from 2 submitters: Uncertain significance (2). Last evaluated 2026-07-21.

Conditions:
TCIRG1-related disorder. Also called: TCIRG1-related condition.

Allele frequency attached by ClinVar (database versions not stated): ExAC 0.00003.
gnomAD v4.1: 21 of 1,613,374 alleles (0.0013%); highest among the groups gnomAD compares: East Asian, 0.011%; no homozygotes.

Submissions (2):

PreventionGenetics, part of Exact Sciences
Classification: Uncertain significance for TCIRG1-related condition. Last evaluated: 2026-07-21. Review status: criteria provided, single submitter. Criteria: ACMG Guidelines, 2015. Collection method: clinical testing. Allele origin: germline.
Comment: The TCIRG1 c.1331G>A variant is predicted to result in the amino acid substitution p.Arg444His. To our knowledge, this variant has not been reported in the literature. This variant is reported in 0.0054% of alleles in individuals of East Asian descent in gnomAD. At this time, the clinical significance of this variant is uncertain due to the absence of conclusive functional and genetic evidence.

Labcorp Genetics (formerly Invitae), Labcorp
Classification: Uncertain significance. Last evaluated: 2024-06-13. Review status: criteria provided, single submitter. Criteria: Invitae Variant Classification Sherloc (09022015). Collection method: clinical testing. Allele origin: germline.
Comment: This sequence change replaces arginine, which is basic and polar, with histidine, which is basic and polar, at codon 444 of the TCIRG1 protein (p.Arg444His). This variant is present in population databases (rs137853151, gnomAD 0.006%). This variant has not been reported in the literature in individuals affected with TCIRG1-related conditions. ClinVar contains an entry for this variant (Variation ID: 2417684). Advanced modeling of protein sequence and biophysical properties (such as structural, functional, and spatial information, amino acid conservation, physicochemical variation, residue mobility, and thermodynamic stability) performed at Invitae indicates that this missense variant is expected to disrupt TCIRG1 protein function with a positive predictive value of 80%. This variant disrupts the p.Arg444 amino acid residue in TCIRG1. Other variant(s) that disrupt this residue have been determined to be pathogenic (PMID: 11532986, 22685294). This suggests that this residue is clinically significant, and that variants that disrupt this residue are likely to be disease-causing. In summary, the available evidence is currently insufficient to determine the role of this variant in disease. Therefore, it has been classified as a Variant of Uncertain Significance.

Literature cited by the submitters: PubMed 11532986 (cited by Labcorp Genetics (formerly Invitae), Labcorp); PubMed 22685294 (cited by Labcorp Genetics (formerly Invitae), Labcorp).

NM_006019.4(TCIRG1):c.1331G>A (p.Arg444His)

Gene: TCIRG1 (T cell immune regulator 1, ATPase H+ transporting V0 subunit a3; plus strand). Cytogenetic location: 11q13.2.
Variant type: single nucleotide variant.
Coding change: c.1331G>A on transcript NM_006019.4 (MANE Select); coding-DNA position 1331, G replaced by A.
Protein change: p.Arg444His; replaces arginine 444 with histidine.
Molecular consequence: missense variant.
Genome position (GRCh38, 1-based): chr11:68,047,672, G>A. VCF-style: chr11-68047672-G-A. GRCh37 (hg19) VCF-style: chr11-67815139-G-A.
Other names: c.437G>A, p.Arg146His (NM_001351059.2); c.1331G>A (NM_006019.3); c.683G>A, p.Arg228His (NM_006053.4); short protein forms R146H, R228H, R444H.
Identifiers: ClinVar variation 2417684 (VCV002417684.6), dbSNP rs137853151, ClinGen allele CA6147080.